The following is an entry in ClinVar:

ClinVar aggregate classification (germline): Uncertain significance (1 of 4 stars; one submission).

Allele frequency attached by ClinVar (database versions not stated): TOPMed 0.00001 and below 0.00001; gnomAD 0.00001.

Submission:

GeneDx
Classification: Uncertain significance. Last evaluated: 2014-10-27. Review status: criteria provided, single submitter. Criteria: GeneDx Variant Classification (06012015). Collection method: clinical testing. Allele origin: germline. Affected: yes.
Comment: Missense variants in the TTN gene are considered 'unclassified' if they are not previously reported in the literature and do not have >1% frequency in the population to be considered a polymorphism. Research indicates that truncating mutations in the TTN gene are expected to account for approximately 25% of familial and 18% of sporadic idiopathic DCM; however, truncating variants in the TTN gene have been reported in approximately 3% of reported control alleles. There has been little investigation into non-truncating variants. (Herman D et al. Truncations of titin causing dilated cardiomyopathy. N Eng J Med 366:619-628, 2012) The variant is found in DCM-CRDM panel(s).

NM_001267550.2(TTN):c.49201C>G (p.Leu16401Val)

Genes: TTN (titin; minus strand), TTN-AS1 (TTN antisense RNA 1; plus strand), LOC126806426 (BRD4-independent group 4 enhancer GRCh37_chr2:179478848-179480047; plus strand). Cytogenetic location: 2q31.2.
Variant type: single nucleotide variant.
Coding change: c.49201C>G on transcript NM_001267550.2 (MANE Select); coding-DNA position 49201, C replaced by G.
Protein change: p.Leu16401Val; replaces leucine 16401 with valine.
Molecular consequence: missense variant. On other transcripts: non-coding transcript variant (1).
Genome position (GRCh38, 1-based): chr2:178,614,196, G>C on the plus strand (C>G on the coding strand, the complement: TTN is on the minus strand). VCF-style: chr2-178614196-G-C. GRCh37 (hg19) VCF-style: chr2-179478923-G-C.
Other names: p.L14760V:CTC>GTC; c.44278C>G, p.Leu14760Val (NM_001256850.1); c.22006C>G, p.Leu7336Val (NM_003319.4); c.41497C>G, p.Leu13833Val (NM_133378.4); c.22381C>G, p.Leu7461Val (NM_133432.3); c.22582C>G, p.Leu7528Val (NM_133437.4); short protein forms L14760V, L16401V, L7461V, L7528V, L7336V, L13833V.
Identifiers: ClinVar variation 202675 (VCV000202675.2), dbSNP rs794729447, ClinGen allele CA309947.
Genomic context (GRCh38, chr2:178,614,196, plus strand): 5'-ACTCTTTATTGGGGATTAATTTGGTGGCCTTGAAGTTTGTATCCTTGACGGTGGATGAGA[G>C]CTTGTGCCACACTTCACTATCAGTTGCTCGTCTCTCCACAACATAGTTTGTGATCTTAGA-3'
Protein context (NP_001254479.2, residues 16391-16411): RATDSEVWHK[Leu16401Val]SSTVKDTNFK